The following is an entry in ClinVar:

ClinVar aggregate classification (germline): Uncertain significance. Review status: criteria provided, multiple submitters, no conflicts (2 of 4 stars). 2 submissions from 2 submitters: Uncertain significance (2). Last evaluated 2025-01-09.

Conditions:
Inborn genetic diseases. Identifiers: MedGen C0950123, MeSH D030342.

gnomAD v4.1: 18 of 1,614,046 alleles (0.0011%); highest among the groups gnomAD compares: African/African-American, 0.004%; no homozygotes.

Submissions (2):

Ambry Genetics
Classification: Uncertain significance for Inborn genetic diseases. Last evaluated: 2025-01-09. Review status: criteria provided, single submitter. Criteria: Ambry Variant Classification Scheme 2023. Collection method: clinical testing. Allele origin: germline.

Labcorp Genetics (formerly Invitae), Labcorp
Classification: Uncertain significance. Last evaluated: 2022-07-12. Review status: criteria provided, single submitter. Criteria: Invitae Variant Classification Sherloc (09022015). Collection method: clinical testing. Allele origin: germline.
Comment: In summary, the available evidence is currently insufficient to determine the role of this variant in disease. Therefore, it has been classified as a Variant of Uncertain Significance. This sequence change replaces arginine, which is basic and polar, with leucine, which is neutral and non-polar, at codon 129 of the VCAN protein (p.Arg129Leu). This variant is present in population databases (no rsID available, gnomAD 0.0009%). This variant has not been reported in the literature in individuals affected with VCAN-related conditions. ClinVar contains an entry for this variant (Variation ID: 953340). Algorithms developed to predict the effect of missense changes on protein structure and function (SIFT, PolyPhen-2, Align-GVGD) all suggest that this variant is likely to be disruptive.

NM_004385.5(VCAN):c.386G>T (p.Arg129Leu)

Gene: VCAN (versican; plus strand). Cytogenetic location: 5q14.2.
Variant type: single nucleotide variant.
Coding change: c.386G>T on transcript NM_004385.5 (MANE Select); coding-DNA position 386, G replaced by T.
Protein change: p.Arg129Leu; replaces arginine 129 with leucine.
Molecular consequence: missense variant.
Genome position (GRCh38, 1-based): chr5:83,490,413, G>T. VCF-style: chr5-83490413-G-T. GRCh37 (hg19) VCF-style: chr5-82786232-G-T.
Other names: c.386G>T, p.Arg129Leu (NM_001126336.3, NM_001164097.2, NM_001164098.2); short protein forms R129L.
Identifiers: ClinVar variation 953340 (VCV000953340.10), dbSNP rs370476323, ClinGen allele CA360295867.